The following is an entry in ClinVar:

NM_000540.3(RYR1):c.6177G>C (p.Leu2059=)

Gene: RYR1 (ryanodine receptor 1; plus strand). Cytogenetic location: 19q13.2.
Variant type: single nucleotide variant.
Coding change: c.6177G>C on transcript NM_000540.3 (MANE Select); coding-DNA position 6177, G replaced by C.
Protein change: p.Leu2059=; no amino-acid change (leucine 2059 retained).
Molecular consequence: synonymous variant.
Genome position (GRCh38, 1-based): chr19:38,492,539, G>C. VCF-style: chr19-38492539-G-C. GRCh37 (hg19) VCF-style: chr19-38983179-G-C.
Other names: c.6177G>C, p.Leu2059= (NM_001042723.2).
Identifiers: ClinVar variation 3073655 (VCV003073655.1), dbSNP rs374092732, ClinGen allele CA067851.

ClinVar aggregate classification (germline): Likely benign (1 of 4 stars; one submission).

Conditions:
Malignant hyperthermia, susceptibility to, 1 (MHS1). Also called: Anesthesia related hyperthermia; Malignant hyperpyrexia; Fulminating hyperpyrexia; Pharmacogenic myopathy; RYR1-Related Malignant Hyperthermia Susceptibility; Malignant hyperthermia suceptibility 1. Identifiers: Orphanet 423, MedGen C2930980, MONDO:0007783, OMIM 145600.

gnomAD v4.1: 1 of 1,614,084 alleles (0.000062%); highest among the groups gnomAD compares: Non-Finnish European, 0.000085%; no homozygotes.

Submission:

All of Us Research Program, National Institutes of Health
Classification: Likely benign for Malignant hyperthermia, susceptibility to, 1. Last evaluated: 2023-10-02. Review status: criteria provided, single submitter. Criteria: ACMG Guidelines, 2015. Collection method: clinical testing. Allele origin: germline. Inheritance: Autosomal dominant inheritance. Observed: 1 variant allele, 1 heterozygote.
Comment: This study involves interpretation of variants in research participants for the purpose of population health screening. Participant phenotype was not available at the time of variant classification. Additional details can be found in publication PMID: 35346344, PMCID: PMC8962531